The following is an entry in ClinVar:

ClinVar aggregate classification (germline): Conflicting classifications of pathogenicity. Review status: criteria provided, conflicting classifications (1 of 4 stars). 3 submissions from 3 submitters: Uncertain significance (2); Likely benign (1). Last evaluated 2025-12-10.

Conditions:
Neurodevelopmental disorder with or without early-onset generalized epilepsy. Identifiers: MedGen C5436914, MONDO:0030930, OMIM 619157.
Complex neurodevelopmental disorder. Identifiers: Orphanet 528084, MedGen C5568766, MONDO:0100038.

Allele frequency attached by ClinVar (database versions not stated): TOPMed 0.00003; gnomAD 0.00005; ESP Exome Variant Server 0.00008; gnomAD exomes 0.00009; ExAC 0.00020.
gnomAD v4.1: 142 of 1,603,472 alleles (0.0089%); highest among the groups gnomAD compares: Middle Eastern, 0.17%; no homozygotes.

Submissions (3):

Dasa
Classification: Uncertain significance for Complex neurodevelopmental disorder. Last evaluated: 2025-12-10. Review status: criteria provided, single submitter. Criteria: DASA Assertion Criteria. Collection method: clinical testing. Allele origin: germline.
Comment: NM_001385012.1(NBEA):c.4631A>G (p.Asn1544Ser) is a missense variant that results in the substitution of asparagine with serine. This variant is rare in population databases. The currently available literature and clinical evidence are not sufficient to establish a definitive association between this variant and the reported condition. Therefore, this variant is classified as a variant of uncertain significance.

CeGaT Center for Human Genetics Tuebingen
Classification: Likely benign. Last evaluated: 2023-06-01. Review status: criteria provided, single submitter. Criteria: CeGaT Center For Human Genetics Tuebingen Variant Classification Criteria Version 2. Collection method: clinical testing. Allele origin: germline. Affected: yes. Observed: 3 variant alleles.
Comment: NBEA: BS2

Revvity Omics, Revvity
Classification: Uncertain significance for Neurodevelopmental disorder with or without early-onset generalized epilepsy. Last evaluated: 2021-12-27. Review status: criteria provided, single submitter. Criteria: ACMG Guidelines, 2015. Collection method: clinical testing. Allele origin: germline.

NM_001385012.1(NBEA):c.4631A>G (p.Asn1544Ser)

Gene: NBEA (neurobeachin; plus strand). Cytogenetic location: 13q13.3.
Variant type: single nucleotide variant.
Coding change: c.4631A>G on transcript NM_001385012.1 (MANE Select); coding-DNA position 4631, A replaced by G.
Protein change: p.Asn1544Ser; replaces asparagine 1544 with serine.
Molecular consequence: missense variant.
Genome position (GRCh38, 1-based): chr13:35,177,072, A>G. VCF-style: chr13-35177072-A-G. GRCh37 (hg19) VCF-style: chr13-35751209-A-G.
Other names: c.4622A>G, p.Asn1541Ser (NM_001379245.1); c.4631A>G, p.Asn1544Ser (NM_015678.5); short protein forms N1541S, N1544S.
Identifiers: ClinVar variation 2434055 (VCV002434055.29), dbSNP rs201692550, ClinGen allele CA6946916.
Genomic context (GRCh38, chr13:35,177,072, plus strand): 5'-TTCCAGGTAACCTTTCTCCTATTAAGGATCCGGATAGACTTCTTCAGGATGTTGATATCA[A>G]TCGCCTTCGTGCTGTTGTCTTTCGGGATGTGGTAAGTTATACCTGATTGGTTTCCCTGAA-3'
Protein context (NP_001371941.1, residues 1534-1554): PDRLLQDVDI[Asn1544Ser]RLRAVVFRDV